The following is an entry in ClinVar:

NM_003718.5(CDK13):c.536G>A (p.Gly179Glu)

Gene: CDK13 (cyclin dependent kinase 13; plus strand). Cytogenetic location: 7p14.1.
Variant type: single nucleotide variant.
Coding change: c.536G>A on transcript NM_003718.5 (MANE Select); coding-DNA position 536, G replaced by A.
Protein change: p.Gly179Glu; replaces glycine 179 with glutamic acid.
Molecular consequence: missense variant.
Genome position (GRCh38, 1-based): chr7:39,951,177, G>A. VCF-style: chr7-39951177-G-A. GRCh37 (hg19) VCF-style: chr7-39990776-G-A.
Other names: c.536G>A, p.Gly179Glu (NM_031267.4); short protein forms G179E.
Identifiers: ClinVar variation 1700945 (VCV001700945.2), dbSNP rs1341663252, ClinGen allele CA367309939.

ClinVar aggregate classification (germline): Uncertain significance (1 of 4 stars; one submission).

Allele frequency attached by ClinVar (database versions not stated): gnomAD exomes below 0.00001; gnomAD 0.00001; TOPMed 0.00001.
gnomAD v4.1: 5 of 1,243,398 alleles (0.0004%); highest among the groups gnomAD compares: Non-Finnish European, 0.0005%; no homozygotes.

Submission:

GeneDx
Classification: Uncertain significance. Last evaluated: 2022-02-09. Review status: criteria provided, single submitter. Criteria: GeneDx Variant Classification Process June 2021. Collection method: clinical testing. Allele origin: germline. Affected: yes.
Comment: Not observed at significant frequency in large population cohorts (gnomAD); In silico analysis supports that this missense variant does not alter protein structure/function; Has not been previously published as pathogenic or benign to our knowledge